The following is an entry in ClinVar:

ClinVar aggregate classification (germline): Uncertain significance (1 of 4 stars; one submission).

Submission:

GeneDx
Classification: Uncertain significance. Last evaluated: 2020-02-21. Review status: criteria provided, single submitter. Criteria: GeneDx Variant Classification Process June 2021. Collection method: clinical testing. Allele origin: germline. Affected: yes.
Comment: Not observed in large population cohorts (Lek et al., 2016); Frameshift variant predicted to result in protein truncation or nonsense mediated decay in a gene for which loss-of-function is not a known mechanism of disease; Has not been previously published as pathogenic or benign to our knowledge

NM_015915.5(ATL1):c.535del (p.Ser179fs)

Gene: ATL1 (atlastin GTPase 1; plus strand). Cytogenetic location: 14q22.1.
Variant type: Deletion.
Coding change: c.535del on transcript NM_015915.5 (MANE Select); coding-DNA position 535, one base deleted (T; older notation c.535delT).
Protein change: p.Ser179fs; shifts the reading frame from serine 179.
Molecular consequence: frameshift variant.
Genome position (GRCh38, 1-based): chr14:50,593,858, T deleted. VCF-style (leftmost placement, unchanged base first): chr14-50593857-AT-A. GRCh37 (hg19) VCF-style: chr14-51060575-AT-A.
Other names: c.535del, p.Ser179fs (NM_001127713.1, NM_181598.4); short protein forms S179fs.
Identifiers: ClinVar variation 1315378 (VCV001315378.2), dbSNP rs2140208095, ClinGen allele CA2573053914.
Genomic context (GRCh38, chr14:50,593,857, plus strand): 5'-TAGGATGATGCCAGTTATCTTATCATTGTAATTTTATTTCTTTATCAAGGTATATAACTT[AT>A]CCCAAAATGTCCAGGAGGATGATCTTCAGCACCTCCAGGTAACAATATTTATTTTCTTTT-3'